The following is an entry in ClinVar:

NM_020297.4(ABCC9):c.1455+1G>A

Gene: ABCC9 (ATP binding cassette subfamily C member 9; minus strand). Cytogenetic location: 12p12.1.
Variant type: single nucleotide variant.
Coding change: c.1455+1G>A on transcript NM_020297.4 (MANE Select); the canonical splice donor site of the intron after coding-DNA position 1455, G replaced by A.
Molecular consequence: splice donor variant.
Genome position (GRCh38, 1-based): chr12:21,908,076, C>T on the plus strand (G>A on the coding strand, the complement: ABCC9 is on the minus strand). VCF-style: chr12-21908076-C-T. GRCh37 (hg19) VCF-style: chr12-22061010-C-T.
Other names: c.591+1G>A (NM_001377274.1); c.1455+1G>A (NM_005691.4, NM_001377273.1).
Identifiers: ClinVar variation 1773022 (VCV001773022.8), dbSNP rs1421201736, ClinGen allele CA384139698.

ClinVar aggregate classification (germline): Conflicting classifications of pathogenicity. Review status: criteria provided, conflicting classifications (1 of 4 stars). 2 submissions from 2 submitters: Likely pathogenic (1); Uncertain significance (1). Last evaluated 2025-07-15.

Conditions:
Cardiovascular phenotype. Identifiers: MedGen CN230736.
Dilated cardiomyopathy 1O (CMD1O). Also called: CARDIOMYOPATHY, DILATED, WITH VENTRICULAR TACHYCARDIA. Identifiers: Orphanet 154, MedGen C1837839, MONDO:0012062, OMIM 608569.

Allele frequency attached by ClinVar (database versions not stated): TOPMed below 0.00001; gnomAD 0.00001.
gnomAD v4.1: 18 of 1,611,958 alleles (0.0011%); highest among the groups gnomAD compares: Non-Finnish European, 0.0014%; no homozygotes.

Submissions (2):

Labcorp Genetics (formerly Invitae), Labcorp
Classification: Likely pathogenic for Dilated cardiomyopathy 1O. Last evaluated: 2025-07-15. Review status: criteria provided, single submitter. Criteria: Invitae Variant Classification Sherloc (09022015). Collection method: clinical testing. Allele origin: germline.
Comment: This sequence change affects a donor splice site in intron 9 of the ABCC9 gene. It is expected to disrupt RNA splicing. Variants that disrupt the donor or acceptor splice site typically lead to a loss of protein function (PMID: 16199547), and loss-of-function variants in ABCC9 are known to be pathogenic (PMID: 31575858, 38217872). This variant is present in population databases (no rsID available, gnomAD 0.0009%). This variant has not been reported in the literature in individuals affected with ABCC9-related conditions. ClinVar contains an entry for this variant (Variation ID: 1773022). Algorithms developed to predict the effect of sequence changes on RNA splicing suggest that this variant may disrupt the consensus splice site. In summary, the currently available evidence indicates that the variant is pathogenic, but additional data are needed to prove that conclusively. Therefore, this variant has been classified as Likely Pathogenic.

Ambry Genetics
Classification: Uncertain significance for Cardiovascular phenotype. Last evaluated: 2025-07-08. Review status: criteria provided, single submitter. Criteria: Ambry Variant Classification Scheme 2023. Collection method: clinical testing. Allele origin: germline.
Comment: The c.1455+1G>A intronic variant results from a G to A substitution one nucleotide after coding exon 9 of the ABCC9 gene. This nucleotide position is highly conserved in available vertebrate species. Alterations that disrupt the canonical splice site are expected to cause aberrant splicing. In silico splice site analysis predicts that this alteration will weaken the native splice donor site. A resulting transcript is predicted to be in-frame and is not expected to trigger nonsense-mediated mRNA decay; although, direct evidence is unavailable. Furthermore, although biallelic loss of function of ABCC9 has been associated with autosomal recessive neurodevelopmental myopathy syndrome, loss of function of ABCC9 has not been established as a mechanism of disease for autosomal dominant Cant&uacute; syndrome. Since supporting evidence is limited at this time, the clinical significance of this alteration remains unclear.

Literature cited by the submitters: PubMed 16199547 (cited by Labcorp Genetics (formerly Invitae), Labcorp); PubMed 31575858 (cited by Labcorp Genetics (formerly Invitae), Labcorp); PubMed 38217872 (cited by Labcorp Genetics (formerly Invitae), Labcorp).